The following is an entry in ClinVar:

NM_007194.4(CHEK2):c.383C>G (p.Pro128Arg)

Gene: CHEK2 (checkpoint kinase 2; minus strand). Cytogenetic location: 22q12.1.
Variant type: single nucleotide variant.
Coding change: c.383C>G on transcript NM_007194.4 (MANE Select); coding-DNA position 383, C replaced by G.
Protein change: p.Pro128Arg; replaces proline 128 with arginine.
Molecular consequence: missense variant.
Genome position (GRCh38, 1-based): chr22:28,725,304, G>C on the plus strand (C>G on the coding strand, the complement: CHEK2 is on the minus strand). VCF-style: chr22-28725304-G-C. GRCh37 (hg19) VCF-style: chr22-29121292-G-C.
Other names: c.512C>G, p.Pro171Arg (NM_001005735.3); c.-395C>G (NM_001257387.3); c.383C>G, p.Pro128Arg (NM_001349956.3, NM_145862.3); short protein forms P128R, P171R.
Identifiers: ClinVar variation 1735413 (VCV001735413.2), dbSNP rs587781879, ClinGen allele CA411108065.

ClinVar aggregate classification (germline): Uncertain significance (1 of 4 stars; one submission).

Conditions:
Hereditary cancer-predisposing syndrome. Also called: Neoplastic Syndromes, Hereditary; Tumor predisposition; Hereditary Cancer Syndrome; Hereditary neoplastic syndrome. Identifiers: Orphanet 140162, MedGen C0027672, MeSH D009386, MONDO:0015356.

Submission:

Ambry Genetics
Classification: Uncertain significance for Hereditary cancer-predisposing syndrome. Last evaluated: 2022-09-12. Review status: criteria provided, single submitter. Criteria: Ambry Variant Classification Scheme 2023. Collection method: clinical testing. Allele origin: germline.
Comment: The p.P128R variant (also known as c.383C>G), located in coding exon 2 of the CHEK2 gene, results from a C to G substitution at nucleotide position 383. The proline at codon 128 is replaced by arginine, an amino acid with dissimilar properties. This amino acid position is conserved. In addition, the in silico prediction for this alteration is inconclusive. Since supporting evidence is limited at this time, the clinical significance of this alteration remains unclear.